The following is an entry in ClinVar:

NM_000038.6(APC):c.5219C>T (p.Pro1740Leu)

Gene: APC (APC regulator of Wnt signaling pathway; plus strand). Cytogenetic location: 5q22.2.
Variant type: single nucleotide variant.
Coding change: c.5219C>T on transcript NM_000038.6 (MANE Select); coding-DNA position 5219, C replaced by T.
Protein change: p.Pro1740Leu; replaces proline 1740 with leucine.
Molecular consequence: missense variant.
Genome position (GRCh38, 1-based): chr5:112,840,813, C>T. VCF-style: chr5-112840813-C-T. GRCh37 (hg19) VCF-style: chr5-112176510-C-T.
Other names: c.5219C>T (NM_000038.5); c.5219C>T, p.Pro1740Leu (NM_001127510.3, NM_001354895.2); c.5165C>T, p.Pro1722Leu (NM_001127511.3); c.5273C>T, p.Pro1758Leu (NM_001354896.2); c.5249C>T, p.Pro1750Leu (NM_001354897.2); c.5144C>T, p.Pro1715Leu (NM_001354898.2); c.5135C>T, p.Pro1712Leu (NM_001354899.2); c.5096C>T, p.Pro1699Leu (NM_001354900.2); and 6 more; short protein forms P1457L, P1649L, P1715L, P1681L, P1699L, P1712L, P1722L, P1758L.
Identifiers: ClinVar variation 1041250 (VCV001041250.47), dbSNP rs1580657573, ClinGen allele CA16032742.
Genomic context (GRCh38, chr5:112,840,813, plus strand): 5'-AAGGTGATATTCTTGCAGAATGCATTAATTCTGCTATGCCCAAAGGGAAAAGTCACAAGC[C>T]TTTCCGTGTGAAAAAGATAATGGACCAGGTCCAGCAAGCATCTGCGTCTTCTTCTGCACC-3'
Protein context (NP_000029.2, residues 1730-1750): SAMPKGKSHK[Pro1740Leu]FRVKKIMDQV

ClinVar aggregate classification (germline): Uncertain significance. Review status: criteria provided, multiple submitters, no conflicts (2 of 4 stars). 2 submissions from 2 submitters: Uncertain significance (2). Last evaluated 2024-01-01.

Conditions:
Hereditary cancer-predisposing syndrome. Also called: Hereditary Cancer Syndrome; Tumor predisposition; Hereditary neoplastic syndrome; Neoplastic Syndromes, Hereditary. Identifiers: Orphanet 140162, MedGen C0027672, MeSH D009386, MONDO:0015356.
Familial adenomatous polyposis 1 (FAP1). Also called: FAMILIAL ADENOMATOUS POLYPOSIS 1, ATTENUATED; POLYPOSIS, ADENOMATOUS INTESTINAL. Identifiers: MedGen C2713442, MONDO:0021056, OMIM 175100. Disease mechanism: loss of function.

gnomAD v4.1: 1 of 1,614,082 alleles (0.000062%); highest among the groups gnomAD compares: South Asian, 0.0011%; no homozygotes.

Submissions (2):

Ambry Genetics
Classification: Uncertain significance for Hereditary cancer-predisposing syndrome. Last evaluated: 2024-01-01. Review status: criteria provided, single submitter. Criteria: Ambry Variant Classification Scheme 2023. Collection method: clinical testing. Allele origin: germline.
Comment: The p.P1740L variant (also known as c.5219C>T), located in coding exon 15 of the APC gene, results from a C to T substitution at nucleotide position 5219. The proline at codon 1740 is replaced by leucine, an amino acid with similar properties. This amino acid position is conserved. In addition, in silico predictors for this gene do not accurately predict pathogenicity. Since supporting evidence is limited at this time, the clinical significance of this alteration remains unclear.

Labcorp Genetics (formerly Invitae), Labcorp
Classification: Uncertain significance for Familial adenomatous polyposis 1. Last evaluated: 2021-12-08. Review status: criteria provided, single submitter. Criteria: Invitae Variant Classification Sherloc (09022015). Collection method: clinical testing. Allele origin: germline.
Comment: In summary, the available evidence is currently insufficient to determine the role of this variant in disease. Therefore, it has been classified as a Variant of Uncertain Significance. Algorithms developed to predict the effect of missense changes on protein structure and function are either unavailable or do not agree on the potential impact of this missense change (SIFT: "Deleterious"; PolyPhen-2: "Probably Damaging"; Align-GVGD: "Class C0"). ClinVar contains an entry for this variant (Variation ID: 1041250). This sequence change replaces proline, which is neutral and non-polar, with leucine, which is neutral and non-polar, at codon 1740 of the APC protein (p.Pro1740Leu). This variant is not present in population databases (gnomAD no frequency). This variant has not been reported in the literature in individuals affected with APC-related conditions.